The following is an entry in ClinVar:

NM_000051.4(ATM):c.3784A>T (p.Arg1262Ter)

Gene: ATM (ATM serine/threonine kinase; plus strand). Cytogenetic location: 11q22.3.
Variant type: single nucleotide variant.
Coding change: c.3784A>T on transcript NM_000051.4 (MANE Select); coding-DNA position 3784, A replaced by T.
Protein change: p.Arg1262Ter; replaces arginine 1262 with a stop codon.
Molecular consequence: nonsense.
Genome position (GRCh38, 1-based): chr11:108,284,264, A>T. VCF-style: chr11-108284264-A-T. GRCh37 (hg19) VCF-style: chr11-108154991-A-T.
Other names: c.3784A>T, p.Arg1262Ter (NM_001351834.2); short protein forms R1262*.
Identifiers: ClinVar variation 928291 (VCV000928291.11), dbSNP rs1591645509, ClinGen allele CA382524550.

ClinVar aggregate classification (germline): Pathogenic. Review status: criteria provided, multiple submitters, no conflicts (2 of 4 stars). 3 submissions from 3 submitters: Pathogenic (3). Last evaluated 2025-07-03.

Conditions:
Ataxia-telangiectasia syndrome (AT). Also called: Ataxia-telangiectasia, complementation group D; Cerebello-oculocutaneous telangiectasia; Immunodeficiency with ataxia telangiectasia; LOUIS-BAR SYNDROME; Ataxia-telangiectasia; AT, COMPLEMENTATION GROUP C. Identifiers: Orphanet 100, MedGen C0004135, MONDO:0008840, OMIM 208900.
Hereditary cancer-predisposing syndrome. Also called: Tumor predisposition; Hereditary neoplastic syndrome; Neoplastic Syndromes, Hereditary; Hereditary Cancer Syndrome. Identifiers: Orphanet 140162, MedGen C0027672, MeSH D009386, MONDO:0015356.

gnomAD v4.1: 3 of 1,612,710 alleles (0.00019%); highest among the groups gnomAD compares: Non-Finnish European, 0.00025%; no homozygotes.

Submissions (3):

Ambry Genetics
Classification: Pathogenic for Hereditary cancer-predisposing syndrome. Last evaluated: 2025-07-03. Review status: criteria provided, single submitter. Criteria: Ambry Variant Classification Scheme 2023. Collection method: clinical testing. Allele origin: germline.
Comment: The p.R1262* pathogenic mutation (also known as c.3784A>T), located in coding exon 25 of the ATM gene, results from an A to T substitution at nucleotide position 3784. This changes the amino acid from an arginine to a stop codon within coding exon 25. This variant is considered to be rare based on population cohorts in the Genome Aggregation Database (gnomAD). This alteration is expected to result in loss of function by premature protein truncation or nonsense-mediated mRNA decay. As such, this alteration is interpreted as a disease-causing mutation.

Labcorp Genetics (formerly Invitae), Labcorp
Classification: Pathogenic for Ataxia-telangiectasia syndrome. Last evaluated: 2022-05-09. Review status: criteria provided, single submitter. Criteria: Invitae Variant Classification Sherloc (09022015). Collection method: clinical testing. Allele origin: germline.
Comment: This sequence change creates a premature translational stop signal (p.Arg1262*) in the ATM gene. It is expected to result in an absent or disrupted protein product. Loss-of-function variants in ATM are known to be pathogenic (PMID: 23807571, 25614872). This variant is not present in population databases (gnomAD no frequency). This variant has not been reported in the literature in individuals affected with ATM-related conditions. ClinVar contains an entry for this variant (Variation ID: 928291). For these reasons, this variant has been classified as Pathogenic.

Color Diagnostics, LLC DBA Color Health
Classification: Pathogenic for Hereditary cancer-predisposing syndrome. Last evaluated: 2020-01-14. Review status: criteria provided, single submitter. Criteria: ACMG Guidelines, 2015. Collection method: clinical testing. Allele origin: germline.
Comment: This variant changes 1 nucleotide in exon 26 of the ATM gene, creating a premature translation stop signal. This variant is expected to result in an absent or non-functional protein product. To our knowledge, this variant has not been reported in individuals affected with hereditary cancer in the literature. This variant has not been identified in the general population by the Genome Aggregation Database (gnomAD). Loss of ATM function is a known mechanism of disease. Based on the available evidence, this variant is classified as Pathogenic.

Literature cited by the submitters: PubMed 23807571 (cited by Labcorp Genetics (formerly Invitae), Labcorp); PubMed 25614872 (cited by Labcorp Genetics (formerly Invitae), Labcorp).